The following is an entry in ClinVar:

NM_000169.3(GLA):c.392T>A (p.Leu131Gln)

Genes: GLA (galactosidase alpha; minus strand), RPL36A-HNRNPH2 (RPL36A-HNRNPH2 readthrough; plus strand). Cytogenetic location: Xq22.1.
Variant type: single nucleotide variant.
Coding change: c.392T>A on transcript NM_000169.3 (MANE Select); coding-DNA position 392, T replaced by A.
Protein change: p.Leu131Gln; replaces leucine 131 with glutamine.
Molecular consequence: missense variant. On other transcripts: non-coding transcript variant (3), intron variant (2).
Genome position (GRCh38, 1-based): chrX:101,401,787, A>T on the plus strand (T>A on the coding strand, the complement: GLA is on the minus strand). VCF-style: chrX-101401787-A-T. GRCh37 (hg19) VCF-style: chrX-100656775-A-T.
Other names: c.515T>A, p.Leu172Gln (NM_001406747.1, NM_001406749.1); c.392T>A, p.Leu131Gln (NM_001406748.1); c.300+6330A>T (NM_001199973.2); c.177+9965A>T (NM_001199974.2); short protein forms L131Q, L172Q.
Identifiers: ClinVar variation 4974886 (VCV004974886.1).

ClinVar aggregate classification (germline): Likely pathogenic (1 of 4 stars; one submission).

Conditions:
Fabry disease. Also called: Fabry's disease; ALPHA-GALACTOSIDASE A DEFICIENCY; ANDERSON-FABRY DISEASE; CERAMIDE TRIHEXOSIDASE DEFICIENCY; GLA DEFICIENCY; HEREDITARY DYSTOPIC LIPIDOSIS. Identifiers: Orphanet 324, MedGen C0002986, MONDO:0010526, OMIM 301500, HP:0001071. Disease mechanism: Fabry disease is due to inactivating mutations in the X-linked GLA gene resulting in deficiency of the enzyme Alpha Galactosidase-A., loss of function.

Submission:

Genomenon, Inc
Classification: Likely pathogenic for Fabry disease. Last evaluated: 2026-09-08. Review status: criteria provided, single submitter. Criteria: Genomenon Sequence Variant Interpretation Standards - Updated. Collection method: curation. Allele origin: germline. Affected: yes.
Comment: GLA p.Leu131Gln (c.392T>A) is a missense variant that changes the amino acid at codon 131 from Leucine to Glutamine. This variant has been observed in at least one proband with clinical features consistent with Fabry disease (PMID:34944500). Functional or patient cell studies have been reported (PMID:34944500). The presence of pathogenic/likely pathogenic missense variant(s) at the same amino acid position indicates that this residue is likely important for protein function. It is absent or not present at a significant frequency in gnomAD. In silico models predict that this variant is possibly or probably damaging. In conclusion, we classify GLA p.Leu131Gln (c.392T>A) as a likely pathogenic variant.

Literature cited by the submitters: PubMed 34944500.